The following is an entry in ClinVar:

NM_017780.4(CHD7):c.6615G>C (p.Gln2205His)

Gene: CHD7 (chromodomain helicase DNA binding protein 7; plus strand). Cytogenetic location: 8q12.2.
Variant type: single nucleotide variant.
Coding change: c.6615G>C on transcript NM_017780.4 (MANE Select); coding-DNA position 6615, G replaced by C.
Protein change: p.Gln2205His; replaces glutamine 2205 with histidine.
Molecular consequence: missense variant. On other transcripts: intron variant (1).
Genome position (GRCh38, 1-based): chr8:60,853,340, G>C. VCF-style: chr8-60853340-G-C. GRCh37 (hg19) VCF-style: chr8-61765899-G-C.
Other names: c.1717-8889G>C (NM_001316690.1); short protein forms Q2205H.
Identifiers: ClinVar variation 2777076 (VCV002777076.4), dbSNP rs777271566, ClinGen allele CA177354178.

ClinVar aggregate classification (germline): Uncertain significance. Review status: criteria provided, multiple submitters, no conflicts (2 of 4 stars). 2 submissions from 2 submitters: Uncertain significance (2). Last evaluated 2024-02-13.

Conditions:
CHARGE syndrome (CHARGE). Also called: Hittner Hirsch Kreh syndrome; CHARGE ASSOCIATION--COLOBOMA, HEART ANOMALY, CHOANAL ATRESIA, RETARDATION, GENITAL AND EAR ANOMALIES; Coloboma, heart anomaly, choanal atresia, retardation, genital and ear anomalies; CHARGE association; Hall-Hittner syndrome. Identifiers: Orphanet 138, MedGen C0265354, MONDO:0008965.

Submissions (2):

GeneDx
Classification: Uncertain significance. Last evaluated: 2024-02-13. Review status: criteria provided, single submitter. Criteria: GeneDx Variant Classification Process June 2021. Collection method: clinical testing. Allele origin: germline. Affected: yes.
Comment: Not observed at significant frequency in large population cohorts (gnomAD); In silico analysis supports that this missense variant does not alter protein structure/function; Has not been previously published as pathogenic or benign to our knowledge

Labcorp Genetics (formerly Invitae), Labcorp
Classification: Uncertain significance for CHARGE syndrome. Last evaluated: 2023-01-13. Review status: criteria provided, single submitter. Criteria: Invitae Variant Classification Sherloc (09022015). Collection method: clinical testing. Allele origin: germline.
Comment: In summary, the available evidence is currently insufficient to determine the role of this variant in disease. Therefore, it has been classified as a Variant of Uncertain Significance. Advanced modeling of protein sequence and biophysical properties (such as structural, functional, and spatial information, amino acid conservation, physicochemical variation, residue mobility, and thermodynamic stability) performed at Invitae indicates that this missense variant is not expected to disrupt CHD7 protein function. This variant has not been reported in the literature in individuals affected with CHD7-related conditions. This variant is not present in population databases (gnomAD no frequency). This sequence change replaces glutamine, which is neutral and polar, with histidine, which is basic and polar, at codon 2205 of the CHD7 protein (p.Gln2205His).